The following is an entry in ClinVar:

NM_004260.4(RECQL4):c.2837G>A (p.Arg946His)

Gene: RECQL4 (RecQ like helicase 4; minus strand). Cytogenetic location: 8q24.3.
Variant type: single nucleotide variant.
Coding change: c.2837G>A on transcript NM_004260.4 (MANE Select); coding-DNA position 2837, G replaced by A.
Protein change: p.Arg946His; replaces arginine 946 with histidine.
Molecular consequence: missense variant.
Genome position (GRCh38, 1-based): chr8:144,512,690, C>T on the plus strand (G>A on the coding strand, the complement: RECQL4 is on the minus strand). VCF-style: chr8-144512690-C-T. GRCh37 (hg19) VCF-style: chr8-145738073-C-T.
Other names: short protein forms R946H.
Identifiers: ClinVar variation 529028 (VCV000529028.12), dbSNP rs773154902, ClinGen allele CA4948057.

ClinVar aggregate classification (germline): Uncertain significance. Review status: criteria provided, multiple submitters, no conflicts (2 of 4 stars). 2 submissions from 2 submitters: Uncertain significance (2). Last evaluated 2026-02-11.

Conditions:
Rothmund-Thomson syndrome type 2 (RTS2). Identifiers: Orphanet 221016, MedGen C5203410, MONDO:0016369, OMIM 268400.
Rapadilino syndrome. Identifiers: Orphanet 3021, MedGen C1849453, MONDO:0009955, OMIM 266280.
Baller-Gerold syndrome (BGS). Also called: CRANIOSYNOSTOSIS WITH RADIAL DEFECTS. Identifiers: Orphanet 1225, MedGen C0265308, MONDO:0009039, OMIM 218600.

Allele frequency attached by ClinVar (database versions not stated): gnomAD 0.00007 and 0.00009; TOPMed 0.00008.
gnomAD v4.1: 98 of 1,612,388 alleles (0.0061%); highest among the groups gnomAD compares: African/African-American, 0.028%; no homozygotes.

Submissions (2):

St. Jude Molecular Pathology, St. Jude Children's Research Hospital
Classification: Uncertain significance for Rothmund-Thomson syndrome type 2. Last evaluated: 2026-02-11. Review status: criteria provided, single submitter. Criteria: St. Jude Assertion Criteria 2020. Collection method: clinical testing. Allele origin: germline.
Comment: The RECQL4 c.2837G>A p.(Arg946His) missense change has a maximum subpopulation frequency of 0.02% in gnomAD v2.1.1. In silico tools predict a benign effect of this variant on protein function, but to our knowledge this prediction has not been confirmed by functional studies. To our knowledge, this variant has not been reported in individuals with RECQL4-associated conditions. In summary, the evidence currently available is insufficient to determine the clinical significance of this variant. It has therefore been classified as of uncertain significance.

Labcorp Genetics (formerly Invitae), Labcorp
Classification: Uncertain significance for Baller-Gerold syndrome. Last evaluated: 2026-01-04. Review status: criteria provided, single submitter. Criteria: Invitae Variant Classification Sherloc (09022015). Collection method: clinical testing. Allele origin: germline.
Comment: This sequence change replaces arginine, which is basic and polar, with histidine, which is basic and polar, at codon 946 of the RECQL4 protein (p.Arg946His). This variant is present in population databases (rs773154902, gnomAD 0.01%). This variant has not been reported in the literature in individuals affected with RECQL4-related conditions. ClinVar contains an entry for this variant (Variation ID: 529028). Invitae Evidence Modeling of protein sequence and biophysical properties (such as structural, functional, and spatial information, amino acid conservation, physicochemical variation, residue mobility, and thermodynamic stability) indicates that this missense variant is not expected to disrupt RECQL4 protein function with a negative predictive value of 80%. In summary, the available evidence is currently insufficient to determine the role of this variant in disease. Therefore, it has been classified as a Variant of Uncertain Significance.